The following is an entry in ClinVar:

ClinVar aggregate classification (germline): Uncertain significance (1 of 4 stars; one submission).

Conditions:
Hereditary pancreatitis (PCTT). Also called: Hereditary chronic pancreatitis; PRSS1-Related Hereditary Pancreatitis. Identifiers: Orphanet 676, MedGen C0238339, MONDO:0008185, OMIM 167800.

Submission:

Ambry Genetics
Classification: Uncertain significance for Hereditary pancreatitis. Last evaluated: 2026-05-27. Review status: criteria provided, single submitter. Criteria: Ambry Variant Classification Scheme 2023. Collection method: clinical testing. Allele origin: germline.
Comment: The p.S228F variant (also known as c.683C>T), located in coding exon 7 of the CTRC gene, results from a C to T substitution at nucleotide position 683. The serine at codon 228 is replaced by phenylalanine, an amino acid with highly dissimilar properties. This amino acid position is not well conserved in available vertebrate species. In addition, this alteration is predicted to be tolerated by in silico analysis. Based on the available evidence, the clinical significance of this variant remains unclear.

NM_007272.3(CTRC):c.683C>T (p.Ser228Phe)

Gene: CTRC (chymotrypsin C; plus strand). Cytogenetic location: 1p36.21.
Variant type: single nucleotide variant.
Coding change: c.683C>T on transcript NM_007272.3 (MANE Select); coding-DNA position 683, C replaced by T.
Protein change: p.Ser228Phe; replaces serine 228 with phenylalanine.
Molecular consequence: missense variant.
Genome position (GRCh38, 1-based): chr1:15,445,640, C>T. VCF-style: chr1-15445640-C-T. GRCh37 (hg19) VCF-style: chr1-15772135-C-T.
Other names: short protein forms S228F.
Identifiers: ClinVar variation 4869515 (VCV004869515.1).